The following is an entry in ClinVar:

ClinVar aggregate classification (germline): Uncertain significance (1 of 4 stars; one submission).

Submission:

Labcorp Genetics (formerly Invitae), Labcorp
Classification: Uncertain significance. Last evaluated: 2023-08-14. Review status: criteria provided, single submitter. Criteria: Invitae Variant Classification Sherloc (09022015). Collection method: clinical testing. Allele origin: germline.
Comment: This variant has not been reported in the literature in individuals affected with KIDINS220-related conditions. Algorithms developed to predict the effect of sequence changes on RNA splicing suggest that this variant may create or strengthen a splice site. In summary, the available evidence is currently insufficient to determine the role of this variant in disease. Therefore, it has been classified as a Variant of Uncertain Significance. This variant is not present in population databases (gnomAD no frequency). This sequence change falls in intron 24 of the KIDINS220 gene. It does not directly change the encoded amino acid sequence of the KIDINS220 protein.

NM_020738.4(KIDINS220):c.3414+17C>T

Gene: KIDINS220 (kinase D interacting substrate 220; minus strand). Cytogenetic location: 2p25.1.
Variant type: single nucleotide variant.
Coding change: c.3414+17C>T on transcript NM_020738.4 (MANE Select); 17 bases into the intron after coding-DNA position 3414, C replaced by T.
Molecular consequence: intron variant.
Genome position (GRCh38, 1-based): chr2:8,750,095, G>A on the plus strand (C>T on the coding strand, the complement: KIDINS220 is on the minus strand). VCF-style: chr2-8750095-G-A. GRCh37 (hg19) VCF-style: chr2-8890225-G-A.
Other names: c.3414+17C>T (NM_001348741.2, NM_001348738.2, NM_001348742.2 and 3 more transcripts); c.3417+17C>T (NM_001348739.2, NM_001348740.2, NM_001348734.2 and 2 more transcripts); c.3288+17C>T (NM_001348736.2).
Identifiers: ClinVar variation 2752479 (VCV002752479.3), dbSNP rs2527616309, ClinGen allele CA2697547808.